The following is an entry in ClinVar:

ClinVar aggregate classification (germline): Pathogenic. Review status: criteria provided, multiple submitters, no conflicts (2 of 4 stars). 3 submissions from 3 submitters: Pathogenic (2). 1 of the submissions does not count toward it. Last evaluated 2025-08-18.

Conditions:
Immunodeficiency 102. Identifiers: Orphanet 653751, MedGen C5676886, MONDO:0024781, OMIM 301082.

Submissions (3):

Laboratorio de Genetica e Diagnostico Molecular, Hospital Israelita Albert Einstein
Classification: Pathogenic for Immunodeficiency 102. Last evaluated: 2025-08-18. Review status: criteria provided, single submitter. Criteria: ACMG Guidelines, 2015. Collection method: clinical testing. Allele origin: germline. Affected: yes.
Comment: ACMG classification criteria: PVS1 very strong, PS4 supporting, PM2 supporting

Victorian Clinical Genetics Services, Murdoch Childrens Research Institute
Classification: Pathogenic for Immunodeficiency 102. Last evaluated: 2023-07-16. Review status: criteria provided, single submitter. Criteria: ACMG Guidelines, 2015. Collection method: clinical testing. Allele origin: germline. Inheritance: X-linked recessive inheritance. Affected: yes.
Comment: Based on the classification scheme VCGS_Germline_v1.3.4, this variant is classified as Pathogenic. Following criteria are met: 0102 - Loss of function is a known mechanism of disease in this gene and is associated with immunodeficiency 102 (MIM#301082). (I) 0109 - This gene is associated with X-linked recessive disease. (I) 0201 - Variant is predicted to cause nonsense-mediated decay (NMD) and loss of protein (premature termination codon is located at least 54 nucleotides upstream of the final exon-exon junction). (SP) 0253 - This variant is hemizygous. (I) 0301 - Variant is absent from gnomAD (both v2 and v3). (SP) 0703 - Other NMD-predicted variants comparable to the one identified in this case have moderate previous evidence for pathogenicity. These variants have been reported in at least three hemizygous individuals with combined immunodeficiency. Where possible, the variant was shown to be maternally inherited (PMID: 35464398, PMID: 33876203). (SP) 0803 - This variant has limited previous evidence of pathogenicity in unrelated individual. This variant has been reported in a single hemizygous individual with combined immunodeficiency (PMID: 33876203). (SP) 0905 - No published segregation evidence has been identified for this variant. (I) 1007 - No published functional evidence has been identified for this variant. (I) 1208 - Inheritance information for this variant is not currently available in this individual. (I) Legend: (SP) - Supporting pathogenic, (I) - Information, (SB) - Supporting benign

OMIM
Classification: Pathogenic for IMMUNODEFICIENCY 102. Last evaluated: 2022-05-31. Review status: no assertion criteria provided. Collection method: literature only. Allele origin: germline. Not counted in ClinVar's aggregate classification.

Literature cited by the submitters: PubMed 33876203 (cited by Victorian Clinical Genetics Services, Murdoch Childrens Research Institute and OMIM); PubMed 35464398 (cited by Victorian Clinical Genetics Services, Murdoch Childrens Research Institute).

NM_018990.4(SASH3):c.733C>T (p.Arg245Ter)

Gene: SASH3 (SAM and SH3 domain containing 3; plus strand). Cytogenetic location: Xq26.1.
Variant type: single nucleotide variant.
Coding change: c.733C>T on transcript NM_018990.4 (MANE Select); coding-DNA position 733, C replaced by T.
Protein change: p.Arg245Ter; replaces arginine 245 with a stop codon.
Molecular consequence: nonsense.
Genome position (GRCh38, 1-based): chrX:129,792,768, C>T. VCF-style: chrX-129792768-C-T. GRCh37 (hg19) VCF-style: chrX-128926744-C-T.
Other names: R245*; c.733C>T (NM_018990.3).
Identifiers: ClinVar variation 1687736 (VCV001687736.3), dbSNP rs2124083267, ClinGen allele CA414567079.